The following is an entry in ClinVar:

NM_019109.5(ALG1):c.310G>A (p.Gly104Arg)

Gene: ALG1 (ALG1 chitobiosyldiphosphodolichol beta-mannosyltransferase; plus strand). Cytogenetic location: 16p13.3.
Variant type: single nucleotide variant.
Coding change: c.310G>A on transcript NM_019109.5 (MANE Select); coding-DNA position 310, G replaced by A.
Protein change: p.Gly104Arg; replaces glycine 104 with arginine.
Molecular consequence: missense variant. On other transcripts: 5 prime UTR variant (1).
Genome position (GRCh38, 1-based): chr16:5,073,176, G>A. VCF-style: chr16-5073176-G-A. GRCh37 (hg19) VCF-style: chr16-5123177-G-A.
Other names: c.-24G>A (NM_001330504.2); short protein forms G104R.
Identifiers: ClinVar variation 1355876 (VCV001355876.3), dbSNP rs992880561, ClinGen allele CA277196685.

ClinVar aggregate classification (germline): Uncertain significance (1 of 4 stars; one submission).

Conditions:
ALG1-congenital disorder of glycosylation. Also called: CDG Ik; CONGENITAL DISORDER OF GLYCOSYLATION, TYPE Ik; ALG1-CDG. Identifiers: Orphanet 79327, MedGen C2931005, MONDO:0012052, OMIM 608540.

Allele frequency attached by ClinVar (database versions not stated): gnomAD exomes below 0.00001.
gnomAD v4.1: 8 of 1,614,188 alleles (0.0005%); highest among the groups gnomAD compares: Middle Eastern, 0.016%; no homozygotes.

Submission:

Labcorp Genetics (formerly Invitae), Labcorp
Classification: Uncertain significance for ALG1-congenital disorder of glycosylation. Last evaluated: 2021-10-21. Review status: criteria provided, single submitter. Criteria: Invitae Variant Classification Sherloc (09022015). Collection method: clinical testing. Allele origin: germline.
Comment: This sequence change replaces glycine with arginine at codon 104 of the ALG1 protein (p.Gly104Arg). The glycine residue is weakly conserved and there is a moderate physicochemical difference between glycine and arginine. This variant is not present in population databases (ExAC no frequency). This variant has not been reported in the literature in individuals affected with ALG1-related conditions. Advanced modeling of protein sequence and biophysical properties (such as structural, functional, and spatial information, amino acid conservation, physicochemical variation, residue mobility, and thermodynamic stability) performed at Invitae indicates that this missense variant is expected to disrupt ALG1 protein function. Algorithms developed to predict the effect of sequence changes on RNA splicing suggest that this variant may create or strengthen a splice site. In summary, the available evidence is currently insufficient to determine the role of this variant in disease. Therefore, it has been classified as a Variant of Uncertain Significance.